The following is an entry in ClinVar:

NM_020843.4(SCAPER):c.3861C>T (p.Ile1287=)

Gene: SCAPER (S-phase cyclin A associated protein in the ER; minus strand). Cytogenetic location: 15q24.3.
Variant type: single nucleotide variant.
Coding change: c.3861C>T on transcript NM_020843.4 (MANE Select); coding-DNA position 3861, C replaced by T.
Protein change: p.Ile1287=; no amino-acid change (isoleucine 1287 retained).
Molecular consequence: synonymous variant. On other transcripts: non-coding transcript variant (1).
Genome position (GRCh38, 1-based): chr15:76,354,135, G>A on the plus strand (C>T on the coding strand, the complement: SCAPER is on the minus strand). VCF-style: chr15-76354135-G-A. GRCh37 (hg19) VCF-style: chr15-76646476-G-A.
Other names: c.3123C>T, p.Ile1041= (NM_001145923.2); c.3879C>T, p.Ile1293= (NM_001353009.2); c.3459C>T, p.Ile1153= (NM_001353010.2, NM_001353012.2); c.3477C>T, p.Ile1159= (NM_001353011.2).
Identifiers: ClinVar variation 2645580 (VCV002645580.24), dbSNP rs781747592, ClinGen allele CA7674330.

ClinVar aggregate classification (germline): Likely benign (1 of 4 stars; one submission).

Allele frequency attached by ClinVar (database versions not stated): TOPMed below 0.00001; gnomAD 0.00001.
gnomAD v4.1: 14 of 1,601,386 alleles (0.00087%); highest among the groups gnomAD compares: East Asian, 0.0023%; no homozygotes.

Submission:

CeGaT Center for Human Genetics Tuebingen
Classification: Likely benign. Last evaluated: 2023-08-01. Review status: criteria provided, single submitter. Criteria: CeGaT Center For Human Genetics Tuebingen Variant Classification Criteria Version 2. Collection method: clinical testing. Allele origin: germline. Affected: yes. Observed: 1 variant allele.
Comment: SCAPER: BP4, BP7